The following is an entry in ClinVar:

ClinVar aggregate classification (germline): Pathogenic (1 of 4 stars; one submission).

Conditions:
Greig cephalopolysyndactyly syndrome (GCPS). Also called: GLI3-Related Greig Cephalopolysyndactyly Syndrome; POLYSYNDACTYLY WITH PECULIAR SKULL SHAPE; Greig syndrome. Identifiers: Orphanet 380, MedGen C0265306, MONDO:0008287, OMIM 175700.
Pallister-Hall syndrome (PHS). Also called: GLI3-Related Pallister-Hall Syndrome; HYPOTHALAMIC HAMARTOBLASTOMA, HYPOPITUITARISM, IMPERFORATE ANUS, AND POSTAXIAL POLYDACTYLY. Identifiers: Orphanet 672, MedGen C0265220, MONDO:0007804, OMIM 146510.

Submission:

Labcorp Genetics (formerly Invitae), Labcorp
Classification: Pathogenic for Pallister-Hall syndrome; Greig cephalopolysyndactyly syndrome. Last evaluated: 2023-11-16. Review status: criteria provided, single submitter. Criteria: Invitae Variant Classification Sherloc (09022015). Collection method: clinical testing. Allele origin: germline.
Comment: This sequence change creates a premature translational stop signal (p.Glu1361*) in the GLI3 gene. While this is not anticipated to result in nonsense mediated decay, it is expected to disrupt the last 220 amino acid(s) of the GLI3 protein. This variant is not present in population databases (gnomAD no frequency). This variant has not been reported in the literature in individuals affected with GLI3-related conditions. This variant disrupts a region of the GLI3 protein in which other variant(s) (p.Thr1488Lysfs*23) have been determined to be pathogenic (PMID: 24736735). This suggests that this is a clinically significant region of the protein, and that variants that disrupt it are likely to be disease-causing. For these reasons, this variant has been classified as Pathogenic.

Literature cited by the submitters: PubMed 24736735.

NM_000168.6(GLI3):c.4081G>T (p.Glu1361Ter)

Gene: GLI3 (GLI family zinc finger 3; minus strand). Cytogenetic location: 7p14.1.
Variant type: single nucleotide variant.
Coding change: c.4081G>T on transcript NM_000168.6 (MANE Select); coding-DNA position 4081, G replaced by T.
Protein change: p.Glu1361Ter; replaces glutamic acid 1361 with a stop codon.
Molecular consequence: nonsense.
Genome position (GRCh38, 1-based): chr7:41,964,992, C>A on the plus strand (G>T on the coding strand, the complement: GLI3 is on the minus strand). VCF-style: chr7-41964992-C-A. GRCh37 (hg19) VCF-style: chr7-42004590-C-A.
Other names: short protein forms E1361*.
Identifiers: ClinVar variation 2953926 (VCV002953926.3), dbSNP rs2484366559, ClinGen allele CA367315806.
Genomic context (GRCh38, chr7:41,964,992, plus strand): 5'-TGACAACTGCCAAGCTTGACGGCTGGCTGCCCATGCCGTGAGCCCCTGGCAGGCAGCTCT[C>A]TGGCCCTTGGTAGATGTTGATGTGTGAGGTAGCACTAATCTGCCCAAGCATCTGCTGACC-3'